The following is an entry in ClinVar:

NM_014967.5(FAN1):c.905AAG[1] (p.Glu303del)

Gene: FAN1 (FANCD2 and FANCI associated nuclease 1; plus strand). Cytogenetic location: 15q13.3.
Variant type: Microsatellite.
Coding change: c.905AAG[1] on transcript NM_014967.5 (MANE Select); one copy of the 3-base unit AAG starting at c.905; the reference has two copies in a row; one copy, 3 bases deleted.
Protein change: p.Glu303del; deletes glutamic acid 303.
Molecular consequence: inframe deletion.
Genome position (GRCh38, 1-based): chr15:30,905,571-30,905,573, AAG deleted; deleting any 3 consecutive bases within chr15:30,905,567-30,905,573 gives the same sequence; the position shown is the placement nearest the transcript's 3' end. VCF-style (leftmost placement, unchanged base first): chr15-30905566-TGAA-T. GRCh37 (hg19) VCF-style: chr15-31197769-TGAA-T.
Other names: c.905AAG[1], p.Glu303del (NM_001146094.2, NM_001146095.1, NM_001146096.2); short protein forms E303del.
Identifiers: ClinVar variation 2895269 (VCV002895269.3), dbSNP rs775904660, ClinGen allele CA7450153.

ClinVar aggregate classification (germline): Uncertain significance (1 of 4 stars; one submission).

Submission:

Labcorp Genetics (formerly Invitae), Labcorp
Classification: Uncertain significance. Last evaluated: 2024-03-20. Review status: criteria provided, single submitter. Criteria: Invitae Variant Classification Sherloc (09022015). Collection method: clinical testing. Allele origin: germline.
Comment: This variant, c.908_910del, results in the deletion of 1 amino acid(s) of the FAN1 protein (p.Glu303del), but otherwise preserves the integrity of the reading frame. This variant is present in population databases (rs775904660, gnomAD 0.02%). This variant has not been reported in the literature in individuals affected with FAN1-related conditions. Experimental studies and prediction algorithms are not available or were not evaluated, and the functional significance of this variant is currently unknown. In summary, the available evidence is currently insufficient to determine the role of this variant in disease. Therefore, it has been classified as a Variant of Uncertain Significance.